The following is an entry in ClinVar:

NM_001142800.2(EYS):c.6138G>A (p.Trp2046Ter)

Gene: EYS (EGF-like photoreceptor maintenance factor; minus strand). Cytogenetic location: 6q12.
Variant type: single nucleotide variant.
Coding change: c.6138G>A on transcript NM_001142800.2 (MANE Select); coding-DNA position 6138, G replaced by A.
Protein change: p.Trp2046Ter; replaces tryptophan 2046 with a stop codon.
Molecular consequence: nonsense.
Genome position (GRCh38, 1-based): chr6:64,307,023, C>T on the plus strand (G>A on the coding strand, the complement: EYS is on the minus strand). VCF-style: chr6-64307023-C-T. GRCh37 (hg19) VCF-style: chr6-65016916-C-T.
Other names: c.6138G>A, p.Trp2046Ter (NM_001292009.2); c.6138G>A (NM_001142800.1); short protein forms W2046*.
Identifiers: ClinVar variation 2675286 (VCV002675286.3), dbSNP rs2534135621, ClinGen allele CA364391785.
Genomic context (GRCh38, chr6:64,307,023, plus strand): 5'-ATTTTACCTGCAATTGTTAATGTGATAGTTTTTCACTGCCTTGGATGGAATGAAAGATCT[C>T]CAGTTATTTATTTCTATAACTTCTATGCAGCCAGTAAAATTCTTGACTGGTACAGGCATC-3'

ClinVar aggregate classification (germline): Likely pathogenic. Review status: criteria provided, multiple submitters, no conflicts (2 of 4 stars). 2 submissions from 2 submitters: Likely pathogenic (2). Last evaluated 2025-03-31.

Conditions:
Retinitis pigmentosa 25 (RP25). Identifiers: Orphanet 791, MedGen C1864446, MONDO:0011272, OMIM 602772.

Allele frequency attached by ClinVar (database versions not stated): gnomAD exomes below 0.00001.
gnomAD v4.1: 1 of 1,546,406 alleles (0.000065%); highest among the groups gnomAD compares: Non-Finnish European, 0.000087%; no homozygotes.

Submissions (2):

Natera, Inc.
Classification: Likely pathogenic for Retinitis pigmentosa type 25. Last evaluated: 2025-03-31. Review status: criteria provided, single submitter. Criteria: Natera Variant Classification Schema (03/2026). Collection method: clinical testing. Allele origin: germline.
Comment: The c.6138G>A variant in EYS is a nonsense variant predicted to introduce a stop codon at amino acid 2046. This variant is expected to result in nonsense mediated decay, truncation, or a dysfunctional protein product. This variant is rare in the general population with a frequency below the threshold expected for the associated phenotype(s). Given the available evidence, this variant is classified as Likely Pathogenic.

Baylor Genetics
Classification: Likely pathogenic for Retinitis pigmentosa 25. Last evaluated: 2023-04-03. Review status: criteria provided, single submitter. Criteria: ACMG Guidelines, 2015. Collection method: clinical testing. Allele origin: unknown.